The following is an entry in ClinVar:

ClinVar aggregate classification (germline): Uncertain significance (1 of 4 stars; one submission).

Conditions:
Tuberous sclerosis 2 (TSC2). Identifiers: Orphanet 805, MedGen C1860707, MONDO:0013199, OMIM 613254.

Submission:

Labcorp Genetics (formerly Invitae), Labcorp
Classification: Uncertain significance for Tuberous sclerosis 2. Last evaluated: 2023-05-05. Review status: criteria provided, single submitter. Criteria: Invitae Variant Classification Sherloc (09022015). Collection method: clinical testing. Allele origin: germline.
Comment: This sequence change replaces phenylalanine, which is neutral and non-polar, with tyrosine, which is neutral and polar, at codon 452 of the TSC2 protein (p.Phe452Tyr). This variant is not present in population databases (gnomAD no frequency). This variant has not been reported in the literature in individuals affected with TSC2-related conditions. Advanced modeling of protein sequence and biophysical properties (such as structural, functional, and spatial information, amino acid conservation, physicochemical variation, residue mobility, and thermodynamic stability) performed at Invitae indicates that this missense variant is not expected to disrupt TSC2 protein function. In summary, the available evidence is currently insufficient to determine the role of this variant in disease. Therefore, it has been classified as a Variant of Uncertain Significance.

NM_000548.5(TSC2):c.1355T>A (p.Phe452Tyr)

Gene: TSC2 (TSC complex subunit 2; plus strand). Cytogenetic location: 16p13.3.
Variant type: single nucleotide variant.
Coding change: c.1355T>A on transcript NM_000548.5 (MANE Select); coding-DNA position 1355, T replaced by A.
Protein change: p.Phe452Tyr; replaces phenylalanine 452 with tyrosine.
Molecular consequence: missense variant. On other transcripts: non-coding transcript variant (5), 5 prime UTR variant (1).
Genome position (GRCh38, 1-based): chr16:2,062,594, T>A. VCF-style: chr16-2062594-T-A. GRCh37 (hg19) VCF-style: chr16-2112595-T-A.
Other names: c.1208T>A, p.Phe403Tyr (NM_001406675.1, NM_001406676.1, NM_001406679.1 and 1 more transcripts); c.1298T>A, p.Phe433Tyr (NM_001406677.1); c.1244T>A, p.Phe415Tyr (NM_001406678.1, NM_001318827.2, NM_001406670.1); c.755T>A, p.Phe252Tyr (NM_001406680.1, NM_001406682.1, NM_001318831.2 and 6 more transcripts); c.893T>A, p.Phe298Tyr (NM_001406681.1); c.11T>A, p.Phe4Tyr (NM_001406693.1, NM_001406694.1, NM_001406695.1 and 6 more transcripts); c.-166T>A (NM_001406698.1); c.1355T>A, p.Phe452Tyr (NM_021055.3, NM_001077183.3, NM_001114382.3 and 6 more transcripts); and 3 more; short protein forms F403Y, F452Y, F4Y, F298Y, F463Y, F482Y, F415Y, F433Y.
Identifiers: ClinVar variation 2862159 (VCV002862159.3), dbSNP rs2548547470, ClinGen allele CA394323367.